The following is an entry in ClinVar:

NM_004329.3(BMPR1A):c.1064del (p.Lys355fs)

Gene: BMPR1A (bone morphogenetic protein receptor type 1A; plus strand). Cytogenetic location: 10q23.2.
Variant type: Deletion.
Coding change: c.1064del on transcript NM_004329.3 (MANE Select); coding-DNA position 1064, one base deleted (A; older notation c.1064delA).
Protein change: p.Lys355fs; shifts the reading frame from lysine 355.
Molecular consequence: frameshift variant.
Genome position (GRCh38, 1-based): chr10:86,919,367, A deleted; the last of 3 consecutive A bases (chr10:86,919,365-86,919,367); deleting any one gives the same sequence. VCF-style (leftmost placement, unchanged base first): chr10-86919364-GA-G. GRCh37 (hg19) VCF-style: chr10-88679121-GA-G.
Other names: short protein forms K355fs.
Identifiers: ClinVar variation 1452517 (VCV001452517.8), dbSNP rs2133592586, ClinGen allele CA2573145713.
Genomic context (GRCh38, chr10:86,919,364, plus strand): 5'-TGGCTTATTCAGCTGCCTGTGGTCTGTGCCACCTGCACACAGAAATTTATGGCACCCAAG[GA>G]AAGCCCGCAATTGCTCATCGAGACCTAAAGAGCAAAAACATCCTCATCAAGAAAAATGGG-3'

ClinVar aggregate classification (germline): Pathogenic. Review status: criteria provided, multiple submitters, no conflicts (2 of 4 stars). 2 submissions from 2 submitters: Pathogenic (2). Last evaluated 2021-08-03.

Conditions:
Juvenile polyposis syndrome (JPS). Identifiers: Orphanet 2929, MedGen C0345893, MONDO:0017380, OMIM 174900.
Hereditary cancer-predisposing syndrome. Also called: Tumor predisposition; Hereditary neoplastic syndrome; Hereditary Cancer Syndrome; Neoplastic Syndromes, Hereditary. Identifiers: Orphanet 140162, MedGen C0027672, MeSH D009386, MONDO:0015356.

Submissions (2):

Ambry Genetics
Classification: Pathogenic for Hereditary cancer-predisposing syndrome. Last evaluated: 2021-08-03. Review status: criteria provided, single submitter. Criteria: Ambry Variant Classification Scheme 2023. Collection method: clinical testing. Allele origin: germline.
Comment: The c.1064delA pathogenic mutation, located in coding exon 8 of the BMPR1A gene, results from a deletion of one nucleotide at nucleotide position 1064, causing a translational frameshift with a predicted alternate stop codon (p.K355Sfs*9). This alteration was identified in an individual with a clinical diagnosis of juvenile polyposis syndrome (Calva-Cerqueira D et al. Clin Genet, 2009 Jan;75:79-85). This variant is considered to be rare based on population cohorts in the Genome Aggregation Database (gnomAD). In addition to the clinical data presented in the literature, this alteration is expected to result in loss of function by premature protein truncation or nonsense-mediated mRNA decay. As such, this alteration is interpreted as a disease-causing mutation.

Labcorp Genetics (formerly Invitae), Labcorp
Classification: Pathogenic for Juvenile polyposis syndrome. Last evaluated: 2021-07-06. Review status: criteria provided, single submitter. Criteria: Invitae Variant Classification Sherloc (09022015). Collection method: clinical testing. Allele origin: germline.
Comment: This sequence change creates a premature translational stop signal (p.Lys355Serfs*9) in the BMPR1A gene. It is expected to result in an absent or disrupted protein product. Loss-of-function variants in BMPR1A are known to be pathogenic (PMID: 11536076, 12417513). This variant is not present in population databases (ExAC no frequency). This premature translational stop signal has been observed in individual(s) with juvenile polyposis (PMID: 18823382). For these reasons, this variant has been classified as Pathogenic.

Literature cited by the submitters: PubMed 18823382 (cited by Ambry Genetics and Labcorp Genetics (formerly Invitae), Labcorp); PubMed 11536076 (cited by Labcorp Genetics (formerly Invitae), Labcorp); PubMed 12417513 (cited by Labcorp Genetics (formerly Invitae), Labcorp).